The following is an entry in ClinVar:

ClinVar aggregate classification (germline): other (0 of 4 stars; one submission).

Conditions:
Familial colorectal cancer. Identifiers: MedGen CN280943, MONDO:0023113. Disease mechanism: loss of function.

Submission:

Systems Biology Platform Zhejiang California International NanoSystems Institute
Classification: other for Familial colorectal cancer. Review status: no assertion criteria provided. Collection method: not provided. Allele origin: unknown.
ClinVar note: Converted during submission from cancer to other.

NM_000038.6(APC):c.730-170T>G

Gene: APC (APC regulator of WNT signaling pathway; plus strand). Cytogenetic location: 5q22.2.
Variant type: single nucleotide variant.
Coding change: c.730-170T>G on transcript NM_000038.6 (MANE Select); 170 bases into the intron before coding-DNA position 730, T replaced by G.
Molecular consequence: intron variant.
Genome position (GRCh38, 1-based): chr5:112,801,109, T>G. VCF-style: chr5-112801109-T-G. GRCh37 (hg19) VCF-style: chr5-112136806-T-G.
Other names: c.730-170T>G (NM_001354895.2, NM_001127510.3, NM_001354896.2 and 1 more transcripts); c.760-170T>G (NM_001354897.2, NM_001354902.2); c.676-170T>G (NM_001127511.3); c.655-170T>G (NM_001354898.2, NM_001354904.2); c.-306-170T>G (NM_001354906.2); c.646-170T>G (NM_001354899.2); c.553-170T>G (NM_001354900.2, NM_001354901.2, NM_001354905.2).
Identifiers: ClinVar variation 82509 (VCV000082509.2), dbSNP rs79705999, ClinGen allele CA013386.